The following is an entry in ClinVar:

NM_006618.5(KDM5B):c.3423+1G>C

Gene: KDM5B (lysine demethylase 5B; minus strand). Cytogenetic location: 1q32.1.
Variant type: single nucleotide variant.
Coding change: c.3423+1G>C on transcript NM_006618.5 (MANE Select); the canonical splice donor site of the intron after coding-DNA position 3423, G replaced by C.
Molecular consequence: splice donor variant.
Genome position (GRCh38, 1-based): chr1:202,735,428, C>G on the plus strand (G>C on the coding strand, the complement: KDM5B is on the minus strand). VCF-style: chr1-202735428-C-G. GRCh37 (hg19) VCF-style: chr1-202704556-C-G.
Other names: c.3408+1G>C (NM_001399817.1); c.3288+1G>C (NM_001347591.2); c.3531+1G>C (NM_001314042.2).
Identifiers: ClinVar variation 2579297 (VCV002579297.1), dbSNP rs1655053800, ClinGen allele CA344262656.

ClinVar aggregate classification (germline): Likely pathogenic (1 of 4 stars; one submission).

gnomAD v4.1: 2 of 1,611,876 alleles (0.00012%); highest among the groups gnomAD compares: Non-Finnish European, 0.00017%; no homozygotes.

Submission:

GeneDx
Classification: Likely pathogenic. Last evaluated: 2023-09-08. Review status: criteria provided, single submitter. Criteria: GeneDx Variant Classification Process June 2021. Collection method: clinical testing. Allele origin: germline. Affected: yes.
Comment: Canonical splice site variant expected to result in aberrant splicing, although in the absence of functional evidence the actual effect of this sequence change is unknown.; Not observed at significant frequency in large population cohorts (gnomAD); Has not been previously published as pathogenic or benign to our knowledge